The following is an entry in ClinVar:

ClinVar aggregate classification (germline): Uncertain significance (1 of 4 stars; one submission).

gnomAD v4.1: 7 of 1,613,866 alleles (0.00043%); highest among the groups gnomAD compares: Non-Finnish European, 0.00059%; no homozygotes.

Submission:

Labcorp Genetics (formerly Invitae), Labcorp
Classification: Uncertain significance. Last evaluated: 2025-11-25. Review status: criteria provided, single submitter. Criteria: Invitae Variant Classification Sherloc (09022015). Collection method: clinical testing. Allele origin: germline.
Comment: This sequence change replaces serine, which is neutral and polar, with threonine, which is neutral and polar, at codon 660 of the TRAP1 protein (p.Ser660Thr). This variant is present in population databases (rs141749443, gnomAD 0.003%). This variant has not been reported in the literature in individuals affected with TRAP1-related conditions. An algorithm developed to predict the effect of missense changes on protein structure and function (PolyPhen-2) suggests that this variant is likely to be tolerated. In summary, the available evidence is currently insufficient to determine the role of this variant in disease. Therefore, it has been classified as a Variant of Uncertain Significance.

NM_016292.3(TRAP1):c.1979G>C (p.Ser660Thr)

Genes: DNASE1 (deoxyribonuclease 1; plus strand), TRAP1 (TNF receptor associated protein 1; minus strand). Cytogenetic location: 16p13.3.
Variant type: single nucleotide variant.
Coding change: c.1979G>C on transcript NM_016292.3 (MANE Select); coding-DNA position 1979, G replaced by C.
Protein change: p.Ser660Thr; replaces serine 660 with threonine.
Molecular consequence: missense variant. On other transcripts: intron variant (1).
Genome position (GRCh38, 1-based): chr16:3,658,827, C>G on the plus strand (G>C on the coding strand, the complement: TRAP1 is on the minus strand). VCF-style: chr16-3658827-C-G. GRCh37 (hg19) VCF-style: chr16-3708828-C-G.
Other names: c.1820G>C, p.Ser607Thr (NM_001272049.2); c.*21+960C>G (NM_001387140.1); short protein forms S660T, S607T.
Identifiers: ClinVar variation 4741241 (VCV004741241.1).
Genomic context (GRCh38, chr16:3,658,827, plus strand): 5'-CAGTCATCCTAAGCTGCTGCACTCACCTGATCCACCAGCAGCTGAGCCAGGCCAGGCTCG[C>G]TTGCGCGCAGCTGATTCAGCTTCTTGATGAGCGCGTGCCTGCAACACAGAACCCACCAGA-3'
Protein context (NP_057376.2, residues 650-670): LIKKLNQLRA[Ser660Thr]EPGLAQLLVD